The following is an entry in ClinVar:

ClinVar aggregate classification (germline): Likely benign. Review status: criteria provided, multiple submitters, no conflicts (2 of 4 stars). 2 submissions from 2 submitters: Likely benign (2). Last evaluated 2025-04-28.

Conditions:
Tuberous sclerosis 1 (TSC1). Identifiers: Orphanet 805, MedGen C1854465, MONDO:0008612, OMIM 191100.

Allele frequency attached by ClinVar (database versions not stated): gnomAD exomes below 0.00001.
gnomAD v4.1: 1 of 1,613,990 alleles (0.000062%); highest among the groups gnomAD compares: South Asian, 0.0011%; no homozygotes.

Submissions (2):

Myriad Genetics, Inc.
Classification: Likely benign for Tuberous sclerosis 1. Last evaluated: 2025-04-28. Review status: criteria provided, single submitter. Criteria: Myriad Autosomal Dominant, Autosomal Recessive and X-Linked Classification Criteria (2023). Collection method: clinical testing. Allele origin: unknown.
Comment: This variant is considered likely benign. This variant is intronic and is not expected to impact mRNA splicing.

Labcorp Genetics (formerly Invitae), Labcorp
Classification: Likely benign for Tuberous sclerosis 1. Last evaluated: 2024-04-22. Review status: criteria provided, single submitter. Criteria: Invitae Variant Classification Sherloc (09022015). Collection method: clinical testing. Allele origin: germline.

NM_000368.5(TSC1):c.2625+9G>A

Gene: TSC1 (TSC complex subunit 1; minus strand). Cytogenetic location: 9q34.13.
Variant type: single nucleotide variant.
Coding change: c.2625+9G>A on transcript NM_000368.5 (MANE Select); 9 bases into the intron after coding-DNA position 2625, G replaced by A.
Molecular consequence: intron variant.
Genome position (GRCh38, 1-based): chr9:132,900,706, C>T on the plus strand (G>A on the coding strand, the complement: TSC1 is on the minus strand). VCF-style: chr9-132900706-C-T. GRCh37 (hg19) VCF-style: chr9-135776093-C-T.
Other names: c.2259+9G>A (NM_001406620.1, NM_001406621.1, NM_001406622.1 and 1 more transcripts); c.2262+9G>A (NM_001406618.1, NM_001406617.1, NM_001406619.1 and 4 more transcripts); c.2217+9G>A (NM_001406625.1); c.2427+9G>A (NM_001406613.1); c.2469+9G>A (NM_001406612.1, NM_001406611.1); c.2472+9G>A (NM_001406610.1, NM_001162427.2); c.1671+9G>A (NM_001406627.1, NM_001406628.1); c.1572+9G>A (NM_001406629.1, NM_001406630.1); and 8 more.
Identifiers: ClinVar variation 2862023 (VCV002862023.4), dbSNP rs2131684014, ClinGen allele CA2692285236.